The following continues an entry in ClinVar:

NM_006922.4(SCN3A):c.2624T>C (p.Ile875Thr)

Gene: SCN3A. ClinVar aggregate classification (germline): Pathogenic. Pathogenic (1).

Submissions 12 to 18 of 18:

Victorian Clinical Genetics Services, Murdoch Childrens Research Institute
Classification: Pathogenic for Developmental and epileptic encephalopathy, 62. Last evaluated: 2020-06-11. Review status: criteria provided, single submitter. Criteria: ACMG Guidelines, 2015. Collection method: clinical testing. Allele origin: germline. Inheritance: Autosomal dominant inheritance. Not counted in ClinVar's aggregate classification.
Comment: Based on the classification scheme VCGS_Germline_v1.1.1, this variant is classified as Pathogenic. Following criteria are met: 0103 - Both loss- and gain-of-function are known mechanisms of disease for this gene. Loss of function effects have been shown to be associated with focal epilepsy whilst gain of function effects have been shown to be associated with epileptic encephalopathy (PMID: 29466837, 28235671). (N) 0200 - Variant is predicted to result in a missense amino acid change from an isoleucine to a threonine (exon 17). (N) 0251 - Variant is heterozygous. (N) 0107 - This gene is known to be associated with autosomal dominant disease. (N) 0301 - Variant is absent from gnomAD. (P) 0600 - Variant is located in an annotated domain or motif (S4-S5 linker of ion transport domain II (PMID: 30146301, 29466837)). (N) 0501 - Missense variant consistently predicted to be damaging by multiple in silico tools or highly conserved with a major amino acid change. (P) 0801 - Strong previous evidence of pathogenicity in unrelated individuals. This variant has previously been reported de novo in patients with epileptic encephalopathy with cerebral cortical development malformations (ClinVar; Decipher; PMID: 29740860, 30146301, 29466837, 30904718). (P) 1002 - Moderate functional evidence supporting abnormal protein function. Cell lines expressing this variant demonstrated gain of function effects (PMID: 30146301, 29466837). (P) Legend: (P) - Pathogenic, (N) - Neutral, (B) - Benign

Baylor Genetics
Classification: Pathogenic for Epilepsy, familial focal, with variable foci 4. Last evaluated: 2020-05-29. Review status: criteria provided, single submitter. Criteria: ACMG Guidelines, 2015. Collection method: clinical testing. Allele origin: de novo. Affected: yes. Not counted in ClinVar's aggregate classification.
Comment: This variant was determined to be pathogenic according to ACMG Guidelines, 2015 [PMID:25741868].

Centre for Mendelian Genomics, University Medical Centre Ljubljana
Classification: Likely pathogenic for Epilepsy, familial focal, with variable foci 4. Last evaluated: 2016-01-01. Review status: criteria provided, single submitter. Criteria: ACMG Guidelines, 2015. Collection method: clinical testing. Allele origin: unknown. Affected: yes. Not counted in ClinVar's aggregate classification.
Comment: This variant was classified as: Likely pathogenic. This variant arose de novo in at least one reported proband.

OMIM
Classification: Pathogenic for DEVELOPMENTAL AND EPILEPTIC ENCEPHALOPATHY 62. Last evaluated: 2020-11-17. Review status: no assertion criteria provided. Collection method: literature only. Allele origin: germline. Not counted in ClinVar's aggregate classification.

Centre for Mendelian Genomics, University Medical Centre Ljubljana
Classification: Likely pathogenic for Polymicrogyria; developmental delay. Last evaluated: 2016-05-13. Review status: no assertion criteria provided. Collection method: clinical testing. Allele origin: unknown. Affected: yes. Not counted in ClinVar's aggregate classification.

Channelopathy-Associated Epilepsy Research Center
No classification provided (evidence only). Condition: Developmental and epileptic encephalopathy. Review status: no classification provided. Collection method: literature only. Allele origin: not applicable. Functional consequence: Moderate hyperpolarizing shift of voltage dependence of activation, Normal fast inactivation, Normal peak current, Normal slope of activation, Normal slope of fast inactivation, Normal voltage dependence of fast inactivation, Severe increase in persistent current, Overall gain-of-function. Not counted in ClinVar's aggregate classification.
ClinVar note: "not provided" was previously submitted as the classification for the variant. However, the classification appeared to be based only on an observation of functional data so it was converted to no classification on 2025-07-30.

GeneReviews
No classification provided. Condition: Epilepsy, familial focal, with variable foci 4. Review status: no classification provided. Collection method: literature only. Allele origin: germline. Not counted in ClinVar's aggregate classification.
Comment: Most common recurrent pathogenic variant; associated with treatment-resistant seizures, severe/profound developmental delay/intellectual disability, and malformation of cortical development (pachy- or polymicrogyria)

Literature cited by the submitters: PubMed 29466837 (cited by 6 submitters); PubMed 29286531 (cited by 3billion and Dasa); PubMed 30146301 (cited by Dasa and Victorian Clinical Genetics Services, Murdoch Childrens Research Institute); PubMed 29740860 (cited by 3 submitters); PubMed 28191890 (cited by Dasa); PubMed 37935051 (cited by Dasa); PubMed 32515017 (cited by Institute of Human Genetics, University of Leipzig Medical Center and Channelopathy-Associated Epilepsy Research Center); PubMed 28235671 (cited by Victorian Clinical Genetics Services, Murdoch Childrens Research Institute); PubMed 30904718 (cited by Victorian Clinical Genetics Services, Murdoch Childrens Research Institute); NCBI Bookshelf NBK570882 (cited by GeneReviews); PubMed 34081427 (cited by GeneReviews).